The following is an entry in ClinVar:

ClinVar aggregate classification (germline): Pathogenic/Likely pathogenic. Review status: criteria provided, multiple submitters, no conflicts (2 of 4 stars). 2 submissions from 2 submitters: Pathogenic (1); Likely pathogenic (1). Last evaluated 2025-06-07.

Conditions:
Familial thoracic aortic aneurysm and aortic dissection (TAAD). Also called: Thoracic aortic aneurysms and dissections. Identifiers: Orphanet 91387, MedGen C4707243, MONDO:0019625.

Submissions (2):

Labcorp Genetics (formerly Invitae), Labcorp
Classification: Pathogenic for Familial thoracic aortic aneurysm and aortic dissection. Last evaluated: 2025-06-07. Review status: criteria provided, single submitter. Criteria: Invitae Variant Classification Sherloc (09022015). Collection method: clinical testing. Allele origin: germline.
Comment: This sequence change creates a premature translational stop signal (p.Ser2*) in the SMAD3 gene. It is expected to result in an absent or disrupted protein product. Loss-of-function variants in SMAD3 are known to be pathogenic (PMID: 21778426, 24804794). This variant is not present in population databases (gnomAD no frequency). This variant has not been reported in the literature in individuals affected with SMAD3-related conditions. ClinVar contains an entry for this variant (Variation ID: 451689). For these reasons, this variant has been classified as Pathogenic.

GeneDx
Classification: Likely pathogenic. Last evaluated: 2018-04-04. Review status: criteria provided, single submitter. Criteria: GeneDx Variant Classification (06012015). Collection method: clinical testing. Allele origin: germline. Affected: yes.
Comment: The S2X likely pathogenic variant in the SMAD3 gene has not been published as pathogenic or been reported as benign to our knowledge. S2X is predicted to cause loss of normal protein function either by protein truncation or nonsense-mediated mRNA decay. Other nonsense variants in the SMAD3 gene have been reported in Human Gene Mutation Database in association with LDS3 (Stenson et al., 2014). Furthermore, the S2X variant is not observed in large population cohorts (Lek et al., 2016; 1000 Genomes Consortium et al., 2015; Exome Variant Server).

Literature cited by the submitters: PubMed 21778426 (cited by Labcorp Genetics (formerly Invitae), Labcorp); PubMed 24804794 (cited by Labcorp Genetics (formerly Invitae), Labcorp).

NM_005902.4(SMAD3):c.5C>A (p.Ser2Ter)

Genes: SMAD3 (SMAD family member 3; plus strand), LOC130057352 (ATAC-STARR-seq lymphoblastoid silent region 6574; plus strand). Cytogenetic location: 15q22.33.
Variant type: single nucleotide variant.
Coding change: c.5C>A on transcript NM_005902.4 (MANE Select); coding-DNA position 5, C replaced by A.
Protein change: p.Ser2Ter; replaces serine 2 with a stop codon.
Molecular consequence: nonsense.
Genome position (GRCh38, 1-based): chr15:67,066,159, C>A. VCF-style: chr15-67066159-C-A. GRCh37 (hg19) VCF-style: chr15-67358497-C-A.
Other names: short protein forms S2*.
Identifiers: ClinVar variation 451689 (VCV000451689.10), dbSNP rs1006530719, ClinGen allele CA393202677.